The following is an entry in ClinVar:

ClinVar aggregate classification (germline): Uncertain significance (1 of 4 stars; one submission).

gnomAD v4.1: 1 of 1,575,438 alleles (0.000063%); highest among the groups gnomAD compares: Non-Finnish European, 0.000086%; no homozygotes.

Submission:

GeneDx
Classification: Uncertain significance. Last evaluated: 2024-02-21. Review status: criteria provided, single submitter. Criteria: GeneDx Variant Classification Process June 2021. Collection method: clinical testing. Allele origin: germline. Affected: yes.
Comment: Not observed at significant frequency in large population cohorts (gnomAD); In silico analysis supports that this missense variant does not alter protein structure/function; Has not been previously published as pathogenic or benign to our knowledge

NM_005477.3(HCN4):c.527C>T (p.Ser176Phe)

Gene: HCN4 (hyperpolarization activated cyclic nucleotide gated potassium channel 4; minus strand). Cytogenetic location: 15q24.1.
Variant type: single nucleotide variant.
Coding change: c.527C>T on transcript NM_005477.3 (MANE Select); coding-DNA position 527, C replaced by T.
Protein change: p.Ser176Phe; replaces serine 176 with phenylalanine.
Molecular consequence: missense variant.
Genome position (GRCh38, 1-based): chr15:73,367,744, G>A on the plus strand (C>T on the coding strand, the complement: HCN4 is on the minus strand). VCF-style: chr15-73367744-G-A. GRCh37 (hg19) VCF-style: chr15-73660085-G-A.
Other names: short protein forms S176F.
Identifiers: ClinVar variation 3369351 (VCV003369351.1).
Genomic context (GRCh38, chr15:73,367,744, plus strand): 5'-GCAGCCGCGCCTCCCTCCACTTTGATAGCGGTGTCCACCGAGGGCTGCTCGCAGGAGGCG[G>A]AGGCCGGCTGCGGTGGCTGCTGGGGCGGCGGCGGCGAGGCTGCGGGCTGCGCCGAGGCGC-3'
Protein context (NP_005468.1, residues 166-186): PPPQQPPQPA[Ser176Phe]ASCEQPSVDT